The following is an entry in ClinVar:

ClinVar aggregate classification (germline): Uncertain significance (1 of 4 stars; one submission).

Allele frequency attached by ClinVar (database versions not stated): gnomAD exomes below 0.00001; TOPMed below 0.00001; gnomAD 0.00001.
gnomAD v4.1: 8 of 1,447,480 alleles (0.00055%); highest among the groups gnomAD compares: Non-Finnish European, 0.00063%; no homozygotes.

Submission:

Labcorp Genetics (formerly Invitae), Labcorp
Classification: Uncertain significance. Last evaluated: 2024-12-16. Review status: criteria provided, single submitter. Criteria: Invitae Variant Classification Sherloc (09022015). Collection method: clinical testing. Allele origin: germline.
Comment: This sequence change replaces serine, which is neutral and polar, with leucine, which is neutral and non-polar, at codon 20 of the ABHD12 protein (p.Ser20Leu). The frequency data for this variant in the population databases is considered unreliable, as metrics indicate poor data quality at this position in the gnomAD database. This variant has not been reported in the literature in individuals affected with ABHD12-related conditions. ClinVar contains an entry for this variant (Variation ID: 2086517). An algorithm developed to predict the effect of missense changes on protein structure and function (PolyPhen-2) suggests that this variant is likely to be tolerated. In summary, the available evidence is currently insufficient to determine the role of this variant in disease. Therefore, it has been classified as a Variant of Uncertain Significance.

NM_001042472.3(ABHD12):c.59C>T (p.Ser20Leu)

Genes: ABHD12 (abhydrolase domain containing 12, lysophospholipase; minus strand), LOC130065586 (ATAC-STARR-seq lymphoblastoid silent region 12752; plus strand). Cytogenetic location: 20p11.21.
Variant type: single nucleotide variant.
Coding change: c.59C>T on transcript NM_001042472.3 (MANE Select); coding-DNA position 59, C replaced by T.
Protein change: p.Ser20Leu; replaces serine 20 with leucine.
Molecular consequence: missense variant.
Genome position (GRCh38, 1-based): chr20:25,390,645, G>A on the plus strand (C>T on the coding strand, the complement: ABHD12 is on the minus strand). VCF-style: chr20-25390645-G-A. GRCh37 (hg19) VCF-style: chr20-25371281-G-A.
Other names: c.59C>T, p.Ser20Leu (NM_015600.5); short protein forms S20L.
Identifiers: ClinVar variation 2086517 (VCV002086517.4), dbSNP rs1178773034, ClinGen allele CA408445275.